The following is an entry in ClinVar:

NM_000535.7(PMS2):c.895C>T (p.Pro299Ser)

Gene: PMS2 (PMS1 homolog 2, mismatch repair system component; minus strand). Cytogenetic location: 7p22.1.
Variant type: single nucleotide variant.
Coding change: c.895C>T on transcript NM_000535.7 (MANE Select); coding-DNA position 895, C replaced by T.
Protein change: p.Pro299Ser; replaces proline 299 with serine.
Molecular consequence: missense variant. On other transcripts: 5 prime UTR variant (2), non-coding transcript variant (1).
Genome position (GRCh38, 1-based): chr7:5,995,542, G>A on the plus strand (C>T on the coding strand, the complement: PMS2 is on the minus strand). VCF-style: chr7-5995542-G-A. GRCh37 (hg19) VCF-style: chr7-6035173-G-A.
Other names: c.490C>T, p.Pro164Ser (NM_001018040.1, NM_001322003.2, NM_001322004.2 and 20 more transcripts); c.895C>T, p.Pro299Ser (NM_001322006.2, NM_001322014.2, NM_001406870.1 and 2 more transcripts); c.577C>T, p.Pro193Ser (NM_001322007.2, NM_001322008.2, NM_001406876.1 and 4 more transcripts); c.-39C>T (NM_001322011.2, NM_001322012.2); c.322C>T, p.Pro108Ser (NM_001322013.2, NM_001406909.1); c.586C>T, p.Pro196Ser (NM_001322015.2, NM_001406875.1, NM_001406877.1 and 6 more transcripts); c.1081C>T, p.Pro361Ser (NM_001406866.1); c.919C>T, p.Pro307Ser (NM_001406868.1); and 4 more; short protein forms P299S, P108S, P187S, P193S, P196S, P243S, P263S, P164S.
Identifiers: ClinVar variation 1765250 (VCV001765250.3), dbSNP rs1562663421, ClinGen allele CA366743412.

ClinVar aggregate classification (germline): Uncertain significance. Review status: criteria provided, multiple submitters, no conflicts (2 of 4 stars). 2 submissions from 2 submitters: Uncertain significance (2). Last evaluated 2025-10-26.

Conditions:
Hereditary nonpolyposis colorectal neoplasms. Identifiers: MedGen C0009405, MeSH D003123.
Hereditary cancer-predisposing syndrome. Also called: Neoplastic Syndromes, Hereditary; Tumor predisposition; Hereditary Cancer Syndrome; Hereditary neoplastic syndrome. Identifiers: Orphanet 140162, MedGen C0027672, MeSH D009386, MONDO:0015356.

Submissions (2):

Labcorp Genetics (formerly Invitae), Labcorp
Classification: Uncertain significance for Hereditary nonpolyposis colorectal neoplasms. Last evaluated: 2025-10-26. Review status: criteria provided, single submitter. Criteria: Invitae Variant Classification Sherloc (09022015). Collection method: clinical testing. Allele origin: germline.
Comment: This sequence change replaces proline, which is neutral and non-polar, with serine, which is neutral and polar, at codon 299 of the PMS2 protein (p.Pro299Ser). This variant is not present in population databases (gnomAD no frequency). This missense change has been observed in individual(s) with clinical features of PMS2-related conditions (PMID: 39334433). ClinVar contains an entry for this variant (Variation ID: 1765250). Invitae Evidence Modeling incorporating data from in vitro experimental studies (internal data) indicates that this missense variant is not expected to disrupt PMS2 function with a negative predictive value of 95%. In summary, the available evidence is currently insufficient to determine the role of this variant in disease. Therefore, it has been classified as a Variant of Uncertain Significance.

Ambry Genetics
Classification: Uncertain significance for Hereditary cancer-predisposing syndrome. Last evaluated: 2022-05-05. Review status: criteria provided, single submitter. Criteria: Ambry Variant Classification Scheme 2023. Collection method: clinical testing. Allele origin: germline.
Comment: The p.P299S variant (also known as c.895C>T), located in coding exon 8 of the PMS2 gene, results from a C to T substitution at nucleotide position 895. The proline at codon 299 is replaced by serine, an amino acid with similar properties. This amino acid position is conserved. In addition, the in silico prediction for this alteration is inconclusive. Since supporting evidence is limited at this time, the clinical significance of this alteration remains unclear.

Literature cited by the submitters: PubMed 39334433 (cited by Labcorp Genetics (formerly Invitae), Labcorp).